The following is an entry in ClinVar:

ClinVar aggregate classification (germline): Uncertain significance. Review status: criteria provided, multiple submitters, no conflicts (2 of 4 stars). 2 submissions from 2 submitters: Uncertain significance (2). Last evaluated 2025-08-30.

Conditions:
Malignant hyperthermia, susceptibility to, 1 (MHS1). Also called: RYR1-Related Malignant Hyperthermia Susceptibility; Malignant hyperthermia suceptibility 1; Anesthesia related hyperthermia; Malignant hyperpyrexia; Fulminating hyperpyrexia; Pharmacogenic myopathy. Identifiers: Orphanet 423, MedGen C2930980, MONDO:0007783, OMIM 145600.

Allele frequency attached by ClinVar (database versions not stated): gnomAD exomes below 0.00001.
gnomAD v4.1: 6 of 1,613,946 alleles (0.00037%); highest among the groups gnomAD compares: Non-Finnish European, 0.00034%; no homozygotes.

Submissions (2):

Color Diagnostics, LLC DBA Color Health
Classification: Uncertain significance for Malignant hyperthermia, susceptibility to, 1. Last evaluated: 2025-08-30. Review status: criteria provided, single submitter. Criteria: ACMG Guidelines, 2015. Collection method: clinical testing. Allele origin: germline.
Comment: This variant is located in the RYR1 protein. To our knowledge, functional studies have not been reported for this variant. This variant has not been reported in individuals affected with RYR1-related disorders in the literature. This variant has not been identified in the general population by the Genome Aggregation Database (gnomAD). The available evidence is insufficient to determine the role of this variant in disease conclusively. Therefore, this variant is classified as a Variant of Uncertain Significance.

Mayo Clinic Laboratories, Mayo Clinic
Classification: Uncertain significance. Last evaluated: 2023-03-10. Review status: criteria provided, single submitter. Criteria: ACMG Guidelines, 2015. Collection method: clinical testing. Allele origin: germline. Observed: 1 variant allele.
Comment: PP3, PM2

NM_000540.3(RYR1):c.4623G>A (p.Val1541=)

Gene: RYR1 (ryanodine receptor 1; plus strand). Cytogenetic location: 19q13.2.
Variant type: single nucleotide variant.
Coding change: c.4623G>A on transcript NM_000540.3 (MANE Select); coding-DNA position 4623, G replaced by A.
Protein change: p.Val1541=; no amino-acid change (valine 1541 retained).
Molecular consequence: synonymous variant.
Genome position (GRCh38, 1-based): chr19:38,483,029, G>A. VCF-style: chr19-38483029-G-A. GRCh37 (hg19) VCF-style: chr19-38973669-G-A.
Other names: p.Val1541=; c.4623G>A, p.Val1541= (NM_001042723.2).
Identifiers: ClinVar variation 2683496 (VCV002683496.2), dbSNP rs2514210439, ClinGen allele CA507237725.
Genomic context (GRCh38, chr19:38,483,029, plus strand): 5'-AGTCAACCCTCCCTCCAGCCCACCCGTTTGCTCACCTCGTCCTCTTCTCCTCTGCCAGGT[G>A]GAACCCAACACTAAGCTATTTCCTGCCGTCTTCGTCCTGCCCACCCACCAGAACGTCATC-3'
Protein context (NP_000531.2, residues 1531-1551): NGKESNTFFQ[Val1541=]EPNTKLFPAV